The following is an entry in ClinVar:

NM_016553.5(NUP62):c.893C>T (p.Ala298Val)

Genes: IL4I1 (interleukin 4 induced 1; minus strand), NUP62 (nucleoporin 62; minus strand). Cytogenetic location: 19q13.33.
Variant type: single nucleotide variant.
Coding change: c.893C>T on transcript NM_016553.5 (MANE Select); coding-DNA position 893, C replaced by T.
Protein change: p.Ala298Val; replaces alanine 298 with valine.
Molecular consequence: missense variant. On other transcripts: intron variant (3).
Genome position (GRCh38, 1-based): chr19:49,908,915, G>A on the plus strand (C>T on the coding strand, the complement: NUP62 is on the minus strand). VCF-style: chr19-49908915-G-A. GRCh37 (hg19) VCF-style: chr19-50412172-G-A.
Other names: c.893C>T, p.Ala298Val (NM_001193357.2, NM_012346.5, NM_153718.4 and 1 more transcripts); c.-227-4594C>T (NM_001258017.2, NM_172374.3); c.-285-4594C>T (NM_001258018.2); short protein forms A298V.
Identifiers: ClinVar variation 2059924 (VCV002059924.5), dbSNP rs867524159, ClinGen allele CA309553898.

ClinVar aggregate classification (germline): Uncertain significance. Review status: criteria provided, multiple submitters, no conflicts (2 of 4 stars). 2 submissions from 2 submitters: Uncertain significance (2). Last evaluated 2025-08-25.

Allele frequency attached by ClinVar (database versions not stated): gnomAD 0.00001; TOPMed 0.00003.
gnomAD v4.1: 32 of 1,607,476 alleles (0.002%); highest among the groups gnomAD compares: African/African-American, 0.0027%; no homozygotes.

Submissions (2):

Ambry Genetics
Classification: Uncertain significance. Last evaluated: 2025-08-25. Review status: criteria provided, single submitter. Criteria: Ambry Variant Classification Scheme 2023. Collection method: clinical testing. Allele origin: germline.

Labcorp Genetics (formerly Invitae), Labcorp
Classification: Uncertain significance. Last evaluated: 2023-07-17. Review status: criteria provided, single submitter. Criteria: Invitae Variant Classification Sherloc (09022015). Collection method: clinical testing. Allele origin: germline.
Comment: This sequence change replaces alanine, which is neutral and non-polar, with valine, which is neutral and non-polar, at codon 298 of the NUP62 protein (p.Ala298Val). In summary, the available evidence is currently insufficient to determine the role of this variant in disease. Therefore, it has been classified as a Variant of Uncertain Significance. Algorithms developed to predict the effect of missense changes on protein structure and function output the following: SIFT: "Not Available"; PolyPhen-2: "Benign"; Align-GVGD: "Not Available". The valine amino acid residue is found in multiple mammalian species, which suggests that this missense change does not adversely affect protein function. ClinVar contains an entry for this variant (Variation ID: 2059924). This variant has not been reported in the literature in individuals affected with NUP62-related conditions. This variant is present in population databases (no rsID available, gnomAD 0.0009%).